The following is an entry in ClinVar:

ClinVar aggregate classification (germline): Likely benign (1 of 4 stars; one submission).

Allele frequency attached by ClinVar (database versions not stated): gnomAD 0.00001; gnomAD exomes 0.00001; TOPMed 0.00001; ExAC 0.00001.
gnomAD v4.1: 22 of 1,598,258 alleles (0.0014%); highest among the groups gnomAD compares: Non-Finnish European, 0.0017%; no homozygotes.

Submission:

GeneDx
Classification: Likely benign. Last evaluated: 2016-02-16. Review status: criteria provided, single submitter. Criteria: GeneDx Variant Classification (06012015). Collection method: clinical testing. Allele origin: germline. Affected: yes.
Comment: This variant is considered likely benign or benign based on one or more of the following criteria: it is a conservative change, it occurs at a poorly conserved position in the protein, it is predicted to be benign by multiple in silico algorithms, and/or has population frequency not consistent with disease.

NM_024120.5(NDUFAF5):c.*7A>C

Gene: NDUFAF5 (NADH:ubiquinone oxidoreductase complex assembly factor 5; plus strand). Cytogenetic location: 20p12.1.
Variant type: single nucleotide variant.
Coding change: c.*7A>C on transcript NM_024120.5 (MANE Select); 7 bases downstream of the stop codon, A replaced by C.
Molecular consequence: 3 prime UTR variant. On other transcripts: non-coding transcript variant (7).
Genome position (GRCh38, 1-based): chr20:13,817,217, A>C. VCF-style: chr20-13817217-A-C. GRCh37 (hg19) VCF-style: chr20-13797863-A-C.
Other names: c.*7A>C (NM_001039375.3, NM_001352403.2, NM_001352406.2 and 1 more transcripts).
Identifiers: ClinVar variation 382951 (VCV000382951.1), dbSNP rs749039506, ClinGen allele CA9767964.